The following is an entry in ClinVar:

NM_000267.3(NF1):c.4368-?_5943+?del

Gene: NF1 (neurofibromin 1; plus strand).
Variant type: Deletion.
Coding change: c.4368-?_5943+?del on transcript NM_000267.3.
Other names: c.4368-?_5943+?del (LRG_214t1).
Identifiers: ClinVar variation 224941 (VCV000224941.1).

ClinVar aggregate classification (germline): Pathogenic (1 of 4 stars; one submission).

Conditions:
Neurofibromatosis, type 1 (NF1). Also called: Peripheral type neurofibromatosis; NEUROFIBROMATOSIS, TYPE I, SOMATIC; Neurofibromatosis, type I; VON RECKLINGHAUSEN DISEASE. Identifiers: Orphanet 636, MedGen C0027831, MONDO:0018975, OMIM 162200. Disease mechanism: loss of function.

Submission:

Labcorp Genetics (formerly Invitae), Labcorp
Classification: Pathogenic for Neurofibromatosis, type 1. Last evaluated: 2015-09-13. Review status: criteria provided, single submitter. Criteria: Invitae Variant Classification Sherloc (09022015). Collection method: clinical testing. Allele origin: germline.
Comment: A gross deletion of the genomic region encompassing the full coding sequence of the NF1 gene has been identified. This deletion extends beyond both edges of the assayed region, and the 5' and 3' boundaries of this event are not known. While this assay does not include deletion/duplication analysis for exons 16-24 and 31-35, all intervening and surrounding exons are deleted consistent with a whole gene deletion. Gross deletions of the NF1 gene have been observed in many neurofibromatosis patients and are known to be pathogenic (PMID: 8116612, 8931693, 9643287). For these reasons, this variant has been classified as Pathogenic.